The following is an entry in ClinVar:

ClinVar aggregate classification (germline): Likely benign. Review status: criteria provided, multiple submitters, no conflicts (2 of 4 stars). 2 submissions from 2 submitters: Likely benign (2). Last evaluated 2025-07-23.

Conditions:
Gorlin syndrome. Also called: Nevoid Basal Cell Carcinoma Syndrome; Basal cell nevus syndrome. Identifiers: Orphanet 377, MedGen C0004779, MONDO:0007187.

Allele frequency attached by ClinVar (database versions not stated): gnomAD exomes below 0.00001.
gnomAD v4.1: 3 of 1,614,268 alleles (0.00019%); highest among the groups gnomAD compares: Non-Finnish European, 0.00017%; no homozygotes.

Submissions (2):

Labcorp Genetics (formerly Invitae), Labcorp
Classification: Likely benign for Gorlin syndrome. Last evaluated: 2025-07-23. Review status: criteria provided, single submitter. Criteria: Invitae Variant Classification Sherloc (09022015). Collection method: clinical testing. Allele origin: germline.

GeneDx
Classification: Likely benign. Last evaluated: 2018-04-20. Review status: criteria provided, single submitter. Criteria: GeneDx Variant Classification (06012015). Collection method: clinical testing. Allele origin: germline. Affected: yes.
Comment: This variant is considered likely benign or benign based on one or more of the following criteria: it is a conservative change, it occurs at a poorly conserved position in the protein, it is predicted to be benign by multiple in silico algorithms, and/or has population frequency not consistent with disease.

NM_000264.5(PTCH1):c.2760C>T (p.Tyr920=)

Gene: PTCH1 (patched 1; minus strand). Cytogenetic location: 9q22.32.
Variant type: single nucleotide variant.
Coding change: c.2760C>T on transcript NM_000264.5 (MANE Select); coding-DNA position 2760, C replaced by T.
Protein change: p.Tyr920=; no amino-acid change (tyrosine 920 retained).
Molecular consequence: synonymous variant. On other transcripts: non-coding transcript variant (1).
Genome position (GRCh38, 1-based): chr9:95,459,727, G>A on the plus strand (C>T on the coding strand, the complement: PTCH1 is on the minus strand). VCF-style: chr9-95459727-G-A. GRCh37 (hg19) VCF-style: chr9-98222009-G-A.
Other names: c.2562C>T, p.Tyr854= (NM_001083602.3); c.2757C>T, p.Tyr919= (NM_001083603.3); c.2307C>T, p.Tyr769= (NM_001083604.3, NM_001083605.3, NM_001083606.3 and 1 more transcripts); c.2604C>T, p.Tyr868= (NM_001354918.2).
Identifiers: ClinVar variation 682338 (VCV000682338.10), dbSNP rs1588544909, ClinGen allele CA466111819.